The following is an entry in ClinVar:

NM_138295.5(PKD1L1):c.7693G>A (p.Val2565Met)

Genes: PKD1L1 (polycystin 1 like 1, transient receptor potential channel interacting; minus strand), PKD1L1-AS1 (PKD1L1 antisense RNA 1; plus strand). Cytogenetic location: 7p12.3.
Variant type: single nucleotide variant.
Coding change: c.7693G>A on transcript NM_138295.5 (MANE Select); coding-DNA position 7693, G replaced by A.
Protein change: p.Val2565Met; replaces valine 2565 with methionine.
Molecular consequence: missense variant.
Genome position (GRCh38, 1-based): chr7:47,808,381, C>T on the plus strand (G>A on the coding strand, the complement: PKD1L1 is on the minus strand). VCF-style: chr7-47808381-C-T. GRCh37 (hg19) VCF-style: chr7-47847979-C-T.
Other names: c.7693G>A (NM_138295.3); short protein forms V2565M.
Identifiers: ClinVar variation 2076322 (VCV002076322.6), dbSNP rs776765561, ClinGen allele CA4251942.

ClinVar aggregate classification (germline): Uncertain significance. Review status: criteria provided, multiple submitters, no conflicts (2 of 4 stars). 3 submissions from 3 submitters: Uncertain significance (3). Last evaluated 2024-11-26.

Conditions:
Inborn genetic diseases. Identifiers: MedGen C0950123, MeSH D030342.
PKD1L1-related disorder. Also called: PKD1L1-related condition.

Allele frequency attached by ClinVar (database versions not stated): ExAC 0.00002; gnomAD 0.00001.
gnomAD v4.1: 31 of 1,613,906 alleles (0.0019%); highest among the groups gnomAD compares: Admixed American, 0.0033%; no homozygotes.

Submissions (3):

Ambry Genetics
Classification: Uncertain significance for Inborn genetic diseases. Last evaluated: 2024-11-26. Review status: criteria provided, single submitter. Criteria: Ambry Variant Classification Scheme 2023. Collection method: clinical testing. Allele origin: germline.

PreventionGenetics, part of Exact Sciences
Classification: Uncertain significance for PKD1L1-related condition. Last evaluated: 2023-06-20. Review status: criteria provided, single submitter. Criteria: ACMG Guidelines, 2015. Collection method: clinical testing. Allele origin: germline.
Comment: The PKD1L1 c.7693G>A variant is predicted to result in the amino acid substitution p.Val2565Met. To our knowledge, this variant has not been reported in the literature. This variant is reported in 0.0085% of alleles in individuals of Latino descent in gnomAD. At this time, the clinical significance of this variant is uncertain due to the absence of conclusive functional and genetic evidence.

Labcorp Genetics (formerly Invitae), Labcorp
Classification: Uncertain significance. Last evaluated: 2022-05-04. Review status: criteria provided, single submitter. Criteria: Invitae Variant Classification Sherloc (09022015). Collection method: clinical testing. Allele origin: germline.
Comment: Algorithms developed to predict the effect of missense changes on protein structure and function output the following: SIFT: "Tolerated"; PolyPhen-2: "Possibly Damaging"; Align-GVGD: "Class C0". The methionine amino acid residue is found in multiple mammalian species, which suggests that this missense change does not adversely affect protein function. This variant has not been reported in the literature in individuals affected with PKD1L1-related conditions. This variant is present in population databases (rs776765561, gnomAD 0.009%). This sequence change replaces valine, which is neutral and non-polar, with methionine, which is neutral and non-polar, at codon 2565 of the PKD1L1 protein (p.Val2565Met). In summary, the available evidence is currently insufficient to determine the role of this variant in disease. Therefore, it has been classified as a Variant of Uncertain Significance.